The following is an entry in ClinVar:

NM_025099.6(CTC1):c.3505G>A (p.Val1169Ile)

Gene: CTC1 (CST telomere replication complex component 1; minus strand). Cytogenetic location: 17p13.1.
Variant type: single nucleotide variant.
Coding change: c.3505G>A on transcript NM_025099.6 (MANE Select); coding-DNA position 3505, G replaced by A.
Protein change: p.Val1169Ile; replaces valine 1169 with isoleucine.
Molecular consequence: missense variant. On other transcripts: non-coding transcript variant (1).
Genome position (GRCh38, 1-based): chr17:8,228,512, C>T on the plus strand (G>A on the coding strand, the complement: CTC1 is on the minus strand). VCF-style: chr17-8228512-C-T. GRCh37 (hg19) VCF-style: chr17-8131830-C-T.
Other names: p.Val1169Ile; short protein forms V1169I.
Identifiers: ClinVar variation 888922 (VCV000888922.16), dbSNP rs377491661, ClinGen allele CA8371756.
Genomic context (GRCh38, chr17:8,228,512, plus strand): 5'-TCTATCACCATGATCCCCCTATCATCATGATCCCCCCGTCTCCAACCTTACCTAATGGGA[C>T]GATCTTCGACGGTTTCCTTTCCAGCTCAAAAGAAAGCACAATAGGACGGAGGACAGAGGG-3'
Protein context (NP_079375.3, residues 1159-1179): FELERKPSKI[Val1169Ile]PLEPPRLQRF

ClinVar aggregate classification (germline): Uncertain significance. Review status: criteria provided, multiple submitters, no conflicts (2 of 4 stars). 6 submissions from 6 submitters: Uncertain significance (6). Last evaluated 2024-07-16.

Conditions:
Dyskeratosis congenita. Identifiers: Orphanet 1775, MedGen C0265965, MONDO:0015780.
Cerebroretinal microangiopathy with calcifications and cysts 1 (CRMCC1). Identifiers: Orphanet 313838, MedGen C4552029, MONDO:0024564, OMIM 612199.

Allele frequency attached by ClinVar (database versions not stated): ExAC 0.00003; gnomAD 0.00004; gnomAD exomes 0.00004 and 0.00005; TOPMed 0.00004; ESP Exome Variant Server 0.00008.

Submissions (6):

Mayo Clinic Laboratories, Mayo Clinic
Classification: Uncertain significance. Last evaluated: 2024-07-16. Review status: criteria provided, single submitter. Criteria: ACMG Guidelines, 2015. Collection method: clinical testing. Allele origin: germline. Observed: 1 variant allele.
Comment: BP4

Labcorp Genetics (formerly Invitae), Labcorp
Classification: Uncertain significance for Dyskeratosis congenita. Last evaluated: 2023-12-02. Review status: criteria provided, single submitter. Criteria: Invitae Variant Classification Sherloc (09022015). Collection method: clinical testing. Allele origin: germline.
Comment: This sequence change replaces valine, which is neutral and non-polar, with isoleucine, which is neutral and non-polar, at codon 1169 of the CTC1 protein (p.Val1169Ile). This variant is present in population databases (rs377491661, gnomAD 0.006%). This missense change has been observed in individual(s) with severe aplastic anaemia (PMID: 30891747). ClinVar contains an entry for this variant (Variation ID: 888922). Algorithms developed to predict the effect of missense changes on protein structure and function output the following: SIFT: "Not Available"; PolyPhen-2: "Benign"; Align-GVGD: "Not Available". The isoleucine amino acid residue is found in multiple mammalian species, which suggests that this missense change does not adversely affect protein function. In summary, the available evidence is currently insufficient to determine the role of this variant in disease. Therefore, it has been classified as a Variant of Uncertain Significance.

GeneDx
Classification: Uncertain significance. Last evaluated: 2023-11-16. Review status: criteria provided, single submitter. Criteria: GeneDx Variant Classification Process June 2021. Collection method: clinical testing. Allele origin: germline. Affected: yes.
Comment: In silico analysis supports that this missense variant does not alter protein structure/function; Has not been previously published as pathogenic or benign to our knowledge

Sema4
Classification: Uncertain significance for Dyskeratosis congenita. Last evaluated: 2021-08-02. Review status: criteria provided, single submitter. Criteria: Sema4 Curation Guidelines. Collection method: curation. Allele origin: germline.
Comment: The CTC1 c.3505G>A (p.V1169I) variant has been reported in heterozygosity in at least one individual with severe aplastic anemia (PMID: 30891747). It was observed in 9/249548 chromosomes in the large and broad cohorts of the Genome Aggregation Database (PMID: 32461654). The variant has been reported in ClinVar (Variation ID 888922). Functional studies have not been performed, and in silico predictions of the variant's effect on protein function are inconclusive. The evidence is insufficient to meet ACMG/AMP criteria for classifying the variant as benign or pathogenic. Thus, the clinical significance of this variant is currently uncertain.

Genome-Nilou Lab
Classification: Uncertain significance for Cerebroretinal microangiopathy with calcifications and cysts 1. Last evaluated: 2021-07-15. Review status: criteria provided, single submitter. Criteria: ACMG Guidelines, 2015. Collection method: clinical testing. Allele origin: germline. Affected: no.

Illumina Laboratory Services, Illumina
Classification: Uncertain significance for Dyskeratosis congenita. Last evaluated: 2018-01-13. Review status: criteria provided, single submitter. Criteria: ICSL Variant Classification Criteria 13 December 2019. Collection method: clinical testing. Allele origin: germline.

Literature cited by the submitters: PubMed 30891747 (cited by 3 submitters).